The following is an entry in ClinVar:

ClinVar aggregate classification (germline): Pathogenic/Likely pathogenic. Review status: criteria provided, multiple submitters, no conflicts (2 of 4 stars). 2 submissions from 2 submitters: Pathogenic (1); Likely pathogenic (1). Last evaluated 2024-11-27.

Conditions:
Primary ciliary dyskinesia. Also called: Ciliary dyskinesia. Identifiers: Orphanet 244, MedGen C0008780, MONDO:0016575, HP:0012265.

Submissions (2):

Molecular Genetics McLendon Clinical Laboratories, University of North Carolina at Chapel Hill
Classification: Likely pathogenic for Primary ciliary dyskinesia. Last evaluated: 2024-11-27. Review status: criteria provided, single submitter. Criteria: ACMG Guidelines, 2015. Collection method: clinical testing. Allele origin: germline. Affected: yes.

Labcorp Genetics (formerly Invitae), Labcorp
Classification: Pathogenic for Primary ciliary dyskinesia. Last evaluated: 2024-11-20. Review status: criteria provided, single submitter. Criteria: Invitae Variant Classification Sherloc (09022015). Collection method: clinical testing. Allele origin: germline.
Comment: This sequence change creates a premature translational stop signal (p.Glu4434Profs*20) in the DNAH11 gene. While this is not anticipated to result in nonsense mediated decay, it is expected to disrupt the last 83 amino acid(s) of the DNAH11 protein. This variant is not present in population databases (gnomAD no frequency). This variant has not been reported in the literature in individuals affected with DNAH11-related conditions. This variant disrupts a region of the DNAH11 protein in which other variant(s) (p.Ser4498Argfs*15) have been determined to be pathogenic (internal data). This suggests that this is a clinically significant region of the protein, and that variants that disrupt it are likely to be disease-causing. For these reasons, this variant has been classified as Pathogenic.

NM_001277115.2(DNAH11):c.13281_13299dup (p.Glu4434fs)

Gene: DNAH11 (dynein axonemal heavy chain 11; plus strand). Cytogenetic location: 7p15.3.
Variant type: Duplication.
Coding change: c.13281_13299dup on transcript NM_001277115.2 (MANE Select); coding-DNA positions 13281 to 13299, 19 bases duplicated (CCTCCACGGACTCTTCATG).
Protein change: p.Glu4434fs; shifts the reading frame from glutamic acid 4434.
Molecular consequence: frameshift variant.
Genome position (GRCh38, 1-based): chr7:21,900,098-21,900,116, CCTCCACGGACTCTTCATG duplicated. VCF-style (leftmost placement, unchanged base first): chr7-21900097-A-ACCTCCACGGACTCTTCATG. GRCh37 (hg19) VCF-style: chr7-21939715-A-ACCTCCACGGACTCTTCATG.
Other names: c.13281_13299dup (NM_001277115.1); short protein forms E4434fs.
Identifiers: ClinVar variation 3678575 (VCV003678575.3).